The following is an entry in ClinVar:

ClinVar aggregate classification (germline): Benign. Review status: criteria provided, multiple submitters, no conflicts (2 of 4 stars). 3 submissions from 3 submitters: Benign (2). 1 of the submissions does not count toward it. Last evaluated 2021-05-05.

Conditions:
DNAH17-related disorder. Also called: DNAH17-related condition.

Allele frequency attached by ClinVar (database versions not stated): gnomAD exomes 0.00675; ExAC 0.00772; gnomAD 0.02561 and 0.02728; 1000 Genomes Project 0.02915; ESP Exome Variant Server 0.02922; TOPMed 0.03013; 1000 Genomes Project 30x 0.03092.
gnomAD v4.1: 7,954 of 1,613,708 alleles (0.49%); highest among the groups gnomAD compares: African/African-American, 9%; 339 homozygotes.

Submissions (3):

GeneDx
Classification: Benign. Last evaluated: 2021-05-05. Review status: criteria provided, single submitter. Criteria: GeneDx Variant Classification Process June 2021. Collection method: clinical testing. Allele origin: germline. Affected: yes.

Breakthrough Genomics
Classification: Benign. Review status: criteria provided, single submitter. Criteria: ACMG Guidelines, 2015. Collection method: not provided. Allele origin: germline. Inheritance: Autosomal recessive inheritance. Affected: yes.

PreventionGenetics, part of Exact Sciences
Classification: Benign for DNAH17-related condition. Last evaluated: 2019-02-19. Review status: no assertion criteria provided. Collection method: clinical testing. Allele origin: germline. Not counted in ClinVar's aggregate classification.
Comment: This variant is classified as benign based on ACMG/AMP sequence variant interpretation guidelines (Richards et al. 2015 PMID: 25741868, with internal and published modifications).

NM_173628.4(DNAH17):c.10668T>C (p.Asp3556=)

Gene: DNAH17 (dynein axonemal heavy chain 17; minus strand). Cytogenetic location: 17q25.3.
Variant type: single nucleotide variant.
Coding change: c.10668T>C on transcript NM_173628.4 (MANE Select); coding-DNA position 10668, T replaced by C.
Protein change: p.Asp3556=; no amino-acid change (aspartic acid 3556 retained).
Molecular consequence: synonymous variant.
Genome position (GRCh38, 1-based): chr17:78,451,535, A>G on the plus strand (T>C on the coding strand, the complement: DNAH17 is on the minus strand). VCF-style: chr17-78451535-A-G. GRCh37 (hg19) VCF-style: chr17-76447617-A-G.
Identifiers: ClinVar variation 1265270 (VCV001265270.5), dbSNP rs34002770, ClinGen allele CA8800758.